The following is an entry in ClinVar:

NM_015352.2(POFUT1):c.971A>G (p.Lys324Arg)

Gene: POFUT1 (protein O-fucosyltransferase 1; plus strand). Cytogenetic location: 20q11.21.
Variant type: single nucleotide variant.
Coding change: c.971A>G on transcript NM_015352.2 (MANE Select); coding-DNA position 971, A replaced by G.
Protein change: p.Lys324Arg; replaces lysine 324 with arginine.
Molecular consequence: missense variant.
Genome position (GRCh38, 1-based): chr20:32,231,054, A>G. VCF-style: chr20-32231054-A-G. GRCh37 (hg19) VCF-style: chr20-30818857-A-G.
Other names: short protein forms K324R.
Identifiers: ClinVar variation 2870892 (VCV002870892.3), dbSNP rs747793346, ClinGen allele CA9807437.

ClinVar aggregate classification (germline): Uncertain significance (1 of 4 stars; one submission).

Conditions:
Dowling-Degos disease 2 (DDD2). Identifiers: Orphanet 79145, MedGen C3809147, MONDO:0014130, OMIM 615327.

Allele frequency attached by ClinVar (database versions not stated): TOPMed below 0.00001; ExAC 0.00001; gnomAD exomes 0.00001.

Submission:

Labcorp Genetics (formerly Invitae), Labcorp
Classification: Uncertain significance for Dowling-Degos disease 2. Last evaluated: 2024-03-02. Review status: criteria provided, single submitter. Criteria: Invitae Variant Classification Sherloc (09022015). Collection method: clinical testing. Allele origin: germline.
Comment: This sequence change replaces lysine, which is basic and polar, with arginine, which is basic and polar, at codon 324 of the POFUT1 protein (p.Lys324Arg). This variant is present in population databases (rs747793346, gnomAD 0.0009%). This variant has not been reported in the literature in individuals affected with POFUT1-related conditions. An algorithm developed to predict the effect of missense changes on protein structure and function (PolyPhen-2) suggests that this variant is likely to be tolerated. In summary, the available evidence is currently insufficient to determine the role of this variant in disease. Therefore, it has been classified as a Variant of Uncertain Significance.